The following is an entry in ClinVar:

NM_006796.3(AFG3L2):c.854T>G (p.Met285Arg)

Gene: AFG3L2 (AFG3 like matrix AAA peptidase subunit 2; minus strand). Cytogenetic location: 18p11.21.
Variant type: single nucleotide variant.
Coding change: c.854T>G on transcript NM_006796.3 (MANE Select); coding-DNA position 854, T replaced by G.
Protein change: p.Met285Arg; replaces methionine 285 with arginine.
Molecular consequence: missense variant.
Genome position (GRCh38, 1-based): chr18:12,358,842, A>C on the plus strand (T>G on the coding strand, the complement: AFG3L2 is on the minus strand). VCF-style: chr18-12358842-A-C. GRCh37 (hg19) VCF-style: chr18-12358841-A-C.
Other names: short protein forms M285R.
Identifiers: ClinVar variation 393059 (VCV000393059.5), dbSNP rs1057524764, ClinGen allele CA16607548.

ClinVar aggregate classification (germline): Uncertain significance. Review status: criteria provided, multiple submitters, no conflicts (2 of 4 stars). 2 submissions from 2 submitters: Uncertain significance (2). Last evaluated 2023-10-22.

Submissions (2):

Labcorp Genetics (formerly Invitae), Labcorp
Classification: Uncertain significance. Last evaluated: 2023-10-22. Review status: criteria provided, single submitter. Criteria: Invitae Variant Classification Sherloc (09022015). Collection method: clinical testing. Allele origin: germline.
Comment: This sequence change replaces methionine, which is neutral and non-polar, with arginine, which is basic and polar, at codon 285 of the AFG3L2 protein (p.Met285Arg). This variant is not present in population databases (gnomAD no frequency). This variant has not been reported in the literature in individuals affected with AFG3L2-related conditions. ClinVar contains an entry for this variant (Variation ID: 393059). Advanced modeling of protein sequence and biophysical properties (such as structural, functional, and spatial information, amino acid conservation, physicochemical variation, residue mobility, and thermodynamic stability) performed at Invitae indicates that this missense variant is not expected to disrupt AFG3L2 protein function. In summary, the available evidence is currently insufficient to determine the role of this variant in disease. Therefore, it has been classified as a Variant of Uncertain Significance.

GeneDx
Classification: Uncertain significance. Last evaluated: 2017-02-01. Review status: criteria provided, single submitter. Criteria: GeneDx Variant Classification (06012015). Collection method: clinical testing. Allele origin: germline. Affected: yes.
Comment: The M285R variant in the AFG3L2 gene has not been reported previously as a pathogenic variant, nor as a benign variant, to our knowledge. This variant was not observed in approximately 6500 individuals of European and African American ancestry in the NHLBI Exome Sequencing Project, indicating it is not a common benign variant in these populations. The M285R variant is a non-conservative amino acid substitution, which is likely to impact secondary protein structure as these residues differ in polarity, charge, size and/or other properties. This substitution occurs at a position that is conserved across species. In silico analysis is inconsistent in its predictions as to whether or not the variant is damaging to the protein structure/function. We interpret M285R as a variant of uncertain significance.